The following is an entry in ClinVar:

NM_000536.4(RAG2):c.1053dup (p.Glu352Ter)

Gene: RAG2 (recombination activating 2; minus strand). Cytogenetic location: 11p12.
Variant type: Duplication.
Coding change: c.1053dup on transcript NM_000536.4 (MANE Select); coding-DNA position 1053, one base duplicated (T; older notation c.1053dupT).
Protein change: p.Glu352Ter; replaces glutamic acid 352 with a stop codon.
Molecular consequence: nonsense.
Genome position (GRCh38, 1-based): chr11:36,593,116, A duplicated on the plus strand (T on the coding strand, the reverse complement: RAG2 is on the minus strand). VCF-style (leftmost placement, unchanged base first): chr11-36593115-C-CA. GRCh37 (hg19) VCF-style: chr11-36614665-C-CA.
Other names: c.1053dup, p.Glu352Ter (NM_001243785.2, NM_001243786.2); short protein forms E352*.
Identifiers: ClinVar variation 1459767 (VCV001459767.8), dbSNP rs2133312509, ClinGen allele CA2573146308.
Genomic context (GRCh38, chr11:36,593,115, plus strand): 5'-GATCTTCTGTTGATGTTTGACTGTTTGTGAATGTTGTCTGCTCTTCATTAGTATCATCTT[C>CA]AGCACATTTCAACATATAGAAATAGAATCCTTCTGAAACAACTTGTTTATTGTCTCCTGG-3'

ClinVar aggregate classification (germline): Pathogenic (1 of 4 stars; one submission).

Conditions:
Severe combined immunodeficiency, autosomal recessive, T cell-negative, B cell-negative, NK cell-positive. Also called: SCID, T CELL-NEGATIVE, B CELL-NEGATIVE, NK CELL-POSITIVE; SCID, AR, T-cell negative, B-cell negative, NK cell-positive; Severe combined immunodeficiency due to complete RAG1/2 deficiency. Identifiers: Orphanet 331206, MedGen C1832322, MONDO:0011086, OMIM 601457.
Combined immunodeficiency with skin granulomas. Identifiers: Orphanet 157949, MedGen C2673536, MONDO:0009306, OMIM 233650.

Submission:

Labcorp Genetics (formerly Invitae), Labcorp
Classification: Pathogenic for Combined immunodeficiency with skin granulomas; Severe combined immunodeficiency, autosomal recessive, T cell-negative, B cell-negative, NK cell-positive. Last evaluated: 2022-02-04. Review status: criteria provided, single submitter. Criteria: Invitae Variant Classification Sherloc (09022015). Collection method: clinical testing. Allele origin: germline.
Comment: This sequence change creates a premature translational stop signal (p.Glu352*) in the RAG2 gene. While this is not anticipated to result in nonsense mediated decay, it is expected to disrupt the last 176 amino acid(s) of the RAG2 protein. For these reasons, this variant has been classified as Pathogenic. This variant is not present in population databases (gnomAD no frequency). This variant has not been reported in the literature in individuals affected with RAG2-related conditions. This variant disrupts a region of the RAG2 protein in which other variant(s) (p.Glu480*) have been determined to be pathogenic (PMID: 21624848, 29772310). This suggests that this is a clinically significant region of the protein, and that variants that disrupt it are likely to be disease-causing.

Literature cited by the submitters: PubMed 21624848; PubMed 29772310.